The following is an entry in ClinVar:

ClinVar aggregate classification (germline): Uncertain significance (1 of 4 stars; one submission).

Allele frequency attached by ClinVar (database versions not stated): gnomAD exomes below 0.00001; TOPMed below 0.00001; gnomAD 0.00001.
gnomAD v4.1: 8 of 1,613,884 alleles (0.0005%); highest among the groups gnomAD compares: Non-Finnish European, 0.00068%; no homozygotes.

Submission:

Labcorp Genetics (formerly Invitae), Labcorp
Classification: Uncertain significance. Last evaluated: 2024-11-13. Review status: criteria provided, single submitter. Criteria: Invitae Variant Classification Sherloc (09022015). Collection method: clinical testing. Allele origin: germline.
Comment: This sequence change replaces glycine, which is neutral and non-polar, with cysteine, which is neutral and slightly polar, at codon 798 of the BACH2 protein (p.Gly798Cys). This variant is present in population databases (no rsID available, gnomAD 0.0009%). This variant has not been reported in the literature in individuals affected with BACH2-related conditions. ClinVar contains an entry for this variant (Variation ID: 1928872). Invitae Evidence Modeling of protein sequence and biophysical properties (such as structural, functional, and spatial information, amino acid conservation, physicochemical variation, residue mobility, and thermodynamic stability) indicates that this missense variant is not expected to disrupt BACH2 protein function with a negative predictive value of 80%. In summary, the available evidence is currently insufficient to determine the role of this variant in disease. Therefore, it has been classified as a Variant of Uncertain Significance.

NM_021813.4(BACH2):c.2392G>T (p.Gly798Cys)

Gene: BACH2 (BACH transcriptional regulator 2; minus strand). Cytogenetic location: 6q15.
Variant type: single nucleotide variant.
Coding change: c.2392G>T on transcript NM_021813.4 (MANE Select); coding-DNA position 2392, G replaced by T.
Protein change: p.Gly798Cys; replaces glycine 798 with cysteine.
Molecular consequence: missense variant.
Genome position (GRCh38, 1-based): chr6:89,932,542, C>A on the plus strand (G>T on the coding strand, the complement: BACH2 is on the minus strand). VCF-style: chr6-89932542-C-A. GRCh37 (hg19) VCF-style: chr6-90642261-C-A.
Other names: c.2392G>T, p.Gly798Cys (NM_001170794.2); short protein forms G798C.
Identifiers: ClinVar variation 1928872 (VCV001928872.5), dbSNP rs1244449076, ClinGen allele CA365027023.